The following is an entry in ClinVar:

ClinVar aggregate classification (germline): Uncertain significance (1 of 4 stars; one submission).

Submission:

GeneDx
Classification: Uncertain significance. Last evaluated: 2026-09-11. Review status: criteria provided, single submitter. Criteria: GeneDx Variant Classification Process June 2021. Collection method: clinical testing. Allele origin: germline.
Comment: Not observed at significant frequency in large population cohorts (gnomAD); In silico analysis supports that this missense variant has a deleterious effect on protein structure/function; Has not been previously published as pathogenic or benign to our knowledge

NM_020706.2(SCAF4):c.262T>A (p.Phe88Ile)

Gene: SCAF4 (SR-related CTD associated factor 4; minus strand). Cytogenetic location: 21q22.11.
Variant type: single nucleotide variant.
Coding change: c.262T>A on transcript NM_020706.2 (MANE Select); coding-DNA position 262, T replaced by A.
Protein change: p.Phe88Ile; replaces phenylalanine 88 with isoleucine.
Molecular consequence: missense variant.
Genome position (GRCh38, 1-based): chr21:31,703,824, A>T on the plus strand (T>A on the coding strand, the complement: SCAF4 is on the minus strand). VCF-style: chr21-31703824-A-T. GRCh37 (hg19) VCF-style: chr21-33076137-A-T.
Other names: c.217T>A, p.Phe73Ile (NM_001145444.1); c.262T>A, p.Phe88Ile (NM_001145445.1); short protein forms F73I, F88I.
Identifiers: ClinVar variation 3369061 (VCV003369061.2).